The following is an entry in ClinVar:

ClinVar aggregate classification (germline): Uncertain significance. Review status: criteria provided, multiple submitters, no conflicts (2 of 4 stars). 2 submissions from 2 submitters: Uncertain significance (2). Last evaluated 2024-01-28.

Conditions:
Asphyxiating thoracic dystrophy 5 (SRTD5). Also called: SHORT-RIB THORACIC DYSPLASIA 5 WITH OR WITHOUT POLYDACTYLY; SHORT-RIB THORACIC DYSPLASIA 5 WITHOUT POLYDACTYLY. Identifiers: Orphanet 474, MedGen C3280598, MONDO:0013717, OMIM 614376.
Senior-Loken syndrome 8 (SLSN8). Identifiers: Orphanet 3156, MedGen C4225376, MONDO:0014579, OMIM 616307.
Spermatogenic failure 72 (SPGF72). Identifiers: MedGen C5676980, MONDO:0030809, OMIM 619867.
Nephronophthisis 13 (NPHP13). Identifiers: Orphanet 655, MedGen C3280612, MONDO:0013718, OMIM 614377.
Cranioectodermal dysplasia 4 (CED4). Identifiers: Orphanet 1515, MedGen C3280616, MONDO:0013719, OMIM 614378.

Allele frequency attached by ClinVar (database versions not stated): TOPMed below 0.00001; ExAC 0.00001; gnomAD 0.00001.
gnomAD v4.1: 2 of 1,580,392 alleles (0.00013%); highest among the groups gnomAD compares: African/African-American, 0.0027%; no homozygotes.

Submissions (2):

Fulgent Genetics
Classification: Uncertain significance for Asphyxiating thoracic dystrophy 5; Nephronophthisis 13; Cranioectodermal dysplasia 4; Senior-Loken syndrome 8; Spermatogenic failure 72. Last evaluated: 2024-01-28. Review status: criteria provided, single submitter. Criteria: ACMG Guidelines, 2015. Collection method: clinical testing. Allele origin: germline.

Labcorp Genetics (formerly Invitae), Labcorp
Classification: Uncertain significance for Senior-Loken syndrome 8; Asphyxiating thoracic dystrophy 5. Last evaluated: 2021-12-19. Review status: criteria provided, single submitter. Criteria: Invitae Variant Classification Sherloc (09022015). Collection method: clinical testing. Allele origin: germline.
Comment: This sequence change replaces alanine, which is neutral and non-polar, with valine, which is neutral and non-polar, at codon 665 of the WDR19 protein (p.Ala665Val). This variant is present in population databases (rs755055037, gnomAD 0.007%). This variant has not been reported in the literature in individuals affected with WDR19-related conditions. Algorithms developed to predict the effect of missense changes on protein structure and function are either unavailable or do not agree on the potential impact of this missense change (SIFT: "Deleterious"; PolyPhen-2: "Probably Damaging"; Align-GVGD: "Class C0"). In summary, the available evidence is currently insufficient to determine the role of this variant in disease. Therefore, it has been classified as a Variant of Uncertain Significance.

NM_025132.4(WDR19):c.1994C>T (p.Ala665Val)

Gene: WDR19 (WD repeat domain 19; plus strand). Cytogenetic location: 4p14.
Variant type: single nucleotide variant.
Coding change: c.1994C>T on transcript NM_025132.4 (MANE Select); coding-DNA position 1994, C replaced by T.
Protein change: p.Ala665Val; replaces alanine 665 with valine.
Molecular consequence: missense variant.
Genome position (GRCh38, 1-based): chr4:39,231,808, C>T. VCF-style: chr4-39231808-C-T. GRCh37 (hg19) VCF-style: chr4-39233428-C-T.
Other names: c.1514C>T, p.Ala505Val (NM_001317924.2); short protein forms A505V, A665V.
Identifiers: ClinVar variation 2073597 (VCV002073597.5), dbSNP rs755055037, ClinGen allele CA2891991.